The following is an entry in ClinVar:

ClinVar aggregate classification (germline): Uncertain significance (1 of 4 stars; one submission).

Submission:

Labcorp Genetics (formerly Invitae), Labcorp
Classification: Uncertain significance. Last evaluated: 2022-06-20. Review status: criteria provided, single submitter. Criteria: Invitae Variant Classification Sherloc (09022015). Collection method: clinical testing. Allele origin: germline.
Comment: Algorithms developed to predict the effect of missense changes on protein structure and function are either unavailable or do not agree on the potential impact of this missense change (SIFT: "Tolerated"; PolyPhen-2: "Not Available"; Align-GVGD: "Class C0"). This variant has not been reported in the literature in individuals affected with DNA2-related conditions. This variant is not present in population databases (gnomAD no frequency). This sequence change replaces lysine, which is basic and polar, with threonine, which is neutral and polar, at codon 839 of the DNA2 protein (p.Lys839Thr). In summary, the available evidence is currently insufficient to determine the role of this variant in disease. Therefore, it has been classified as a Variant of Uncertain Significance.

NM_001080449.3(DNA2):c.2516A>C (p.Lys839Thr)

Gene: DNA2 (DNA replication helicase/nuclease 2; minus strand). Cytogenetic location: 10q21.3.
Variant type: single nucleotide variant.
Coding change: c.2516A>C on transcript NM_001080449.3 (MANE Select); coding-DNA position 2516, A replaced by C.
Protein change: p.Lys839Thr; replaces lysine 839 with threonine.
Molecular consequence: missense variant. On other transcripts: non-coding transcript variant (1).
Genome position (GRCh38, 1-based): chr10:68,422,406, T>G on the plus strand (A>C on the coding strand, the complement: DNA2 is on the minus strand). VCF-style: chr10-68422406-T-G. GRCh37 (hg19) VCF-style: chr10-70182163-T-G.
Other names: short protein forms K839T.
Identifiers: ClinVar variation 1475567 (VCV001475567.6), dbSNP rs2133361899, ClinGen allele CA376846240.